The following is an entry in ClinVar:

ClinVar aggregate classification (germline): Uncertain significance (1 of 4 stars; one submission).

Conditions:
Familial sleep-related hypermotor epilepsy. Also called: Autosomal Dominant Sleep-Related Hypermotor (Hyperkinetic) Epilepsy. Identifiers: Orphanet 98784, MedGen C3696898, MONDO:0000030.

Submission:

Labcorp Genetics (formerly Invitae), Labcorp
Classification: Uncertain significance. Last evaluated: 2020-12-18. Review status: criteria provided, single submitter. Criteria: Invitae Variant Classification Sherloc (09022015). Collection method: clinical testing. Allele origin: germline.
Comment: This sequence change replaces alanine with valine at codon 426 of the CHRNA2 protein (p.Ala426Val). The alanine residue is weakly conserved and there is a small physicochemical difference between alanine and valine. This variant is not present in population databases (ExAC no frequency). This variant has not been reported in the literature in individuals with CHRNA2-related conditions. Advanced modeling of protein sequence and biophysical properties (such as structural, functional, and spatial information, amino acid conservation, physicochemical variation, residue mobility, and thermodynamic stability) performed at Invitae indicates that this missense variant is not expected to disrupt CHRNA2 protein function. Algorithms developed to predict the effect of sequence changes on RNA splicing suggest that this variant may create or strengthen a splice site, but this prediction has not been confirmed by published transcriptional studies. In summary, the available evidence is currently insufficient to determine the role of this variant in disease. Therefore, it has been classified as a Variant of Uncertain Significance.

NM_000742.4(CHRNA2):c.1277C>T (p.Ala426Val)

Gene: CHRNA2 (cholinergic receptor nicotinic alpha 2 subunit; minus strand). Cytogenetic location: 8p21.2.
Variant type: single nucleotide variant.
Coding change: c.1277C>T on transcript NM_000742.4 (MANE Select); coding-DNA position 1277, C replaced by T.
Protein change: p.Ala426Val; replaces alanine 426 with valine.
Molecular consequence: missense variant.
Genome position (GRCh38, 1-based): chr8:27,463,166, G>A on the plus strand (C>T on the coding strand, the complement: CHRNA2 is on the minus strand). VCF-style: chr8-27463166-G-A. GRCh37 (hg19) VCF-style: chr8-27320683-G-A.
Other names: c.1232C>T, p.Ala411Val (NM_001282455.2); c.800C>T, p.Ala267Val (NM_001347705.2, NM_001347706.2); c.683C>T, p.Ala228Val (NM_001347707.2, NM_001347708.2); short protein forms A228V, A267V, A411V, A426V.
Identifiers: ClinVar variation 1024164 (VCV001024164.5), dbSNP rs138721954, ClinGen allele CA370808989.